The following is an entry in ClinVar:

ClinVar aggregate classification (germline): not provided (0 of 4 stars; one submission).

Conditions:
Small for gestational age. Also called: Low birth weight. Identifiers: MedGen C0235991, HP:0001518.

Submission:

Institute of Molecular and Cell Biology, University of Tartu
No classification provided. Condition: Small for gestational age. Review status: no classification provided. Collection method: case-control. Allele origin: unknown. Affected: yes. Study: Kasak2014.
Comment: The study aimed to determine the contribution of copy number variants in the genetic etiology of normal and complicated pregnancies. The samples represented (i) maternal blood DNA drawn from healthy pregnant women during 1st or 2nd trimester and (ii) maternal and paternal blood DNA drawn at term pregnancy cases representing normal and complicated gestations (severe preeclampsia, PE; gestational diabetes, GD; small-for-gestational age newborn, SGA; large-for-gestational age newborn, LGA). We performed CNV calling based on genome-wide genotyping dataset (Illumina HumanOmniExpress-24-v1 BeadChip) by applying three algorithms, QuantiSNP, GADA (Genome Alteration Detection Algorithm) and CNstream in parallel. The acquired CNV calls were merged with HD-CNV (Hotspot Detector for Copy Number Variants) program and only the CNVs predicted by at least two programs, were considered in subsequent analysis.

Literature cited by the submitters: PubMed 25666259.

NC_000007.14:g.53130576_53138532del

Variant type: Deletion.
Genome position: GRCh38: chr7:53,130,576-53,138,532. GRCh37 (hg19): chr7:53,198,269-53,206,225.
Identifiers: ClinVar variation 157053 (VCV000157053.3), ClinGen allele CA212182.